The following is an entry in ClinVar:

ClinVar aggregate classification (germline): Likely benign (0 of 4 stars; one submission).

Conditions:
HERC2-related disorder. Also called: HERC2-related condition.

Allele frequency attached by ClinVar (database versions not stated): gnomAD exomes 0.00007; ExAC 0.00022; 1000 Genomes Project 30x 0.00062; ESP Exome Variant Server 0.00077; 1000 Genomes Project 0.00080; gnomAD 0.00084.
gnomAD v4.1: 233 of 1,614,172 alleles (0.014%); highest among the groups gnomAD compares: African/African-American, 0.29%; no homozygotes.

Submission:

PreventionGenetics, part of Exact Sciences
Classification: Likely benign for HERC2-related condition. Last evaluated: 2020-01-03. Review status: no assertion criteria provided. Collection method: clinical testing. Allele origin: germline.
Comment: This variant is classified as likely benign based on ACMG/AMP sequence variant interpretation guidelines (Richards et al. 2015 PMID: 25741868, with internal and published modifications).

NM_004667.6(HERC2):c.1662G>T (p.Val554=)

Gene: HERC2 (HECT and RLD domain containing E3 ubiquitin protein ligase 2; minus strand). Cytogenetic location: 15q13.1.
Variant type: single nucleotide variant.
Coding change: c.1662G>T on transcript NM_004667.6 (MANE Select); coding-DNA position 1662, G replaced by T.
Protein change: p.Val554=; no amino-acid change (valine 554 retained).
Molecular consequence: synonymous variant.
Genome position (GRCh38, 1-based): chr15:28,265,911, C>A on the plus strand (G>T on the coding strand, the complement: HERC2 is on the minus strand). VCF-style: chr15-28265911-C-A. GRCh37 (hg19) VCF-style: chr15-28511057-C-A.
Identifiers: ClinVar variation 3046126 (VCV003046126.2), dbSNP rs141495562, ClinGen allele CA7443388.
Genomic context (GRCh38, chr15:28,265,911, plus strand): 5'-GGTGTACAGCTCCCCCTCGGCAGTGATGGCCGCACTGTAAGTGCTCCCGCAAGCGATGTG[C>A]ACCACGTGCTTCCCGGCCTGCTTTCCAGAGAAGGCGGAGATCACCTTAGGCTCCTCCAAA-3'
Protein context (NP_004658.3, residues 544-564): FSGKQAGKHV[Val554=]HIACGSTYSA